The following is an entry in ClinVar:

NM_024334.3(TMEM43):c.47A>T (p.Lys16Ile)

Gene: TMEM43 (transmembrane protein 43; plus strand). Cytogenetic location: 3p25.1.
Variant type: single nucleotide variant.
Coding change: c.47A>T on transcript NM_024334.3 (MANE Select); coding-DNA position 47, A replaced by T.
Protein change: p.Lys16Ile; replaces lysine 16 with isoleucine.
Molecular consequence: missense variant.
Genome position (GRCh38, 1-based): chr3:14,129,446, A>T. VCF-style: chr3-14129446-A-T. GRCh37 (hg19) VCF-style: chr3-14170946-A-T.
Other names: short protein forms K16I.
Identifiers: ClinVar variation 628667 (VCV000628667.13), dbSNP rs770619613, ClinGen allele CA351534226.

ClinVar aggregate classification (germline): Uncertain significance. Review status: criteria provided, multiple submitters, no conflicts (2 of 4 stars). 3 submissions from 3 submitters: Uncertain significance (3). Last evaluated 2024-03-06.

Conditions:
Cardiomyopathy (CMYO). Also called: Cardiomyopathies. Identifiers: Orphanet 167848, MedGen C0878544, MONDO:0004994, HP:0001638. Inheritance: Various modes of inheritance.
Arrhythmogenic right ventricular dysplasia 5. Also called: Arrhythmogenic Right Ventricular Dysplasia/Cardiomyopathy 5; ARRHYTHMOGENIC RIGHT VENTRICULAR DYSPLASIA, FAMILIAL, 5. Identifiers: MedGen C1858379, MONDO:0011459, OMIM 604400.

Allele frequency attached by ClinVar (database versions not stated): TOPMed below 0.00001; gnomAD 0.00001.
gnomAD v4.1: 4 of 1,613,950 alleles (0.00025%); highest among the groups gnomAD compares: Non-Finnish European, 0.00034%; no homozygotes.

Submissions (3):

Color Diagnostics, LLC DBA Color Health
Classification: Uncertain significance for Cardiomyopathy. Last evaluated: 2024-03-06. Review status: criteria provided, single submitter. Criteria: ACMG Guidelines, 2015. Collection method: clinical testing. Allele origin: germline.
Comment: This missense variant replaces lysine with isoleucine at codon 16 of the TMEM43 protein. Computational prediction suggests that this variant may not impact protein structure and function (internally defined REVEL score threshold <= 0.5, PMID: 27666373). To our knowledge, functional studies have not been reported for this variant. This variant has not been reported in individuals affected with cardiovascular disorders in the literature. This variant has been identified in 1/31366 chromosomes in the general population by the Genome Aggregation Database (gnomAD). The available evidence is insufficient to determine the role of this variant in disease conclusively. Therefore, this variant is classified as a Variant of Uncertain Significance.

All of Us Research Program, National Institutes of Health
Classification: Uncertain significance for Arrhythmogenic right ventricular dysplasia 5. Last evaluated: 2023-08-15. Review status: criteria provided, single submitter. Criteria: ACMG Guidelines, 2015. Collection method: clinical testing. Allele origin: germline. Inheritance: Autosomal dominant inheritance. Observed: 1 variant allele, 1 heterozygote.
Comment: This missense variant replaces lysine with isoleucine at codon 16 of the TMEM43 protein. Computational prediction suggests that this variant may not impact protein structure and function (internally defined REVEL score threshold <= 0.5, PMID: 27666373). To our knowledge, functional studies have not been reported for this variant. This variant has not been reported in individuals affected with cardiovascular disorders in the literature. This variant has been identified in 1/31366 chromosomes in the general population by the Genome Aggregation Database (gnomAD). The available evidence is insufficient to determine the role of this variant in disease conclusively. Therefore, this variant is classified as a Variant of Uncertain Significance.

This study involves interpretation of variants in research participants for the purpose of population health screening. Participant phenotype was not available at the time of variant classification. Additional details can be found in publication PMID: 35346344, PMCID: PMC8962531

Labcorp Genetics (formerly Invitae), Labcorp
Classification: Uncertain significance for Arrhythmogenic right ventricular dysplasia 5. Last evaluated: 2022-01-03. Review status: criteria provided, single submitter. Criteria: Invitae Variant Classification Sherloc (09022015). Collection method: clinical testing. Allele origin: germline.
Comment: This sequence change replaces lysine, which is basic and polar, with isoleucine, which is neutral and non-polar, at codon 16 of the TMEM43 protein (p.Lys16Ile). This variant is present in population databases (no rsID available, gnomAD 0.007%). This variant has not been reported in the literature in individuals affected with TMEM43-related conditions. ClinVar contains an entry for this variant (Variation ID: 628667). Algorithms developed to predict the effect of missense changes on protein structure and function are either unavailable or do not agree on the potential impact of this missense change (SIFT: "Deleterious"; PolyPhen-2: "Benign"; Align-GVGD: "Class C0"). In summary, the available evidence is currently insufficient to determine the role of this variant in disease. Therefore, it has been classified as a Variant of Uncertain Significance.